The following is an entry in ClinVar:

NM_003803.4(MYOM1):c.4484+1G>A

Gene: MYOM1 (myomesin 1; minus strand). Cytogenetic location: 18p11.31.
Variant type: single nucleotide variant.
Coding change: c.4484+1G>A on transcript NM_003803.4 (MANE Select); the canonical splice donor site of the intron after coding-DNA position 4484, G replaced by A.
Molecular consequence: splice donor variant.
Genome position (GRCh38, 1-based): chr18:3,083,788, C>T on the plus strand (G>A on the coding strand, the complement: MYOM1 is on the minus strand). VCF-style: chr18-3083788-C-T. GRCh37 (hg19) VCF-style: chr18-3083786-C-T.
Other names: c.4196+1G>A (NM_019856.2).
Identifiers: ClinVar variation 2073913 (VCV002073913.4), dbSNP rs1351205016, ClinGen allele CA401709396.

ClinVar aggregate classification (germline): Uncertain significance (1 of 4 stars; one submission).

Conditions:
Hypertrophic cardiomyopathy. Also called: HYPERTROPHIC MYOCARDIOPATHY. Identifiers: Orphanet 217569, MedGen C0007194, MeSH D002312, MONDO:0005045, HP:0001639.

Allele frequency attached by ClinVar (database versions not stated): gnomAD 0.00001; TOPMed below 0.00001.
gnomAD v4.1: 2 of 1,562,250 alleles (0.00013%); highest among the groups gnomAD compares: African/African-American, 0.0014%; no homozygotes.

Submission:

Labcorp Genetics (formerly Invitae), Labcorp
Classification: Uncertain significance for Hypertrophic cardiomyopathy. Last evaluated: 2022-02-18. Review status: criteria provided, single submitter. Criteria: Invitae Variant Classification Sherloc (09022015). Collection method: clinical testing. Allele origin: germline.
Comment: This sequence change affects a donor splice site in intron 33 of the MYOM1 gene. It is expected to disrupt RNA splicing. Variants that disrupt the donor or acceptor splice site typically lead to a loss of protein function (PMID: 16199547), however the current clinical and genetic evidence is not sufficient to establish whether loss-of-function variants in MYOM1 cause disease. This variant is present in population databases (no rsID available, gnomAD 0.01%). This variant has not been reported in the literature in individuals affected with MYOM1-related conditions. Algorithms developed to predict the effect of sequence changes on RNA splicing suggest that this variant may disrupt the consensus splice site. In summary, the available evidence is currently insufficient to determine the role of this variant in disease. Therefore, it has been classified as a Variant of Uncertain Significance.

Literature cited by the submitters: PubMed 16199547.